The following is an entry in ClinVar:

NM_001289080.2(CNTN6):c.2160G>A (p.Thr720=)

Gene: CNTN6 (contactin 6; plus strand). Cytogenetic location: 3p26.3.
Variant type: single nucleotide variant.
Coding change: c.2160G>A on transcript NM_001289080.2 (MANE Select); coding-DNA position 2160, G replaced by A.
Protein change: p.Thr720=; no amino-acid change (threonine 720 retained).
Molecular consequence: synonymous variant.
Genome position (GRCh38, 1-based): chr3:1,377,069, G>A. VCF-style: chr3-1377069-G-A. GRCh37 (hg19) VCF-style: chr3-1418753-G-A.
Other names: c.1944G>A, p.Thr648= (NM_001289081.2); c.2160G>A, p.Thr720= (NM_001349350.2, NM_001349351.2, NM_001349352.2 and 4 more transcripts); c.2052G>A, p.Thr684= (NM_001349356.2); c.1848G>A, p.Thr616= (NM_001349357.2); c.1605G>A, p.Thr535= (NM_001349358.2); c.1038G>A, p.Thr346= (NM_001349359.2, NM_001349360.2, NM_001349361.2 and 1 more transcripts).
Identifiers: ClinVar variation 3060973 (VCV003060973.2), dbSNP rs17038365, ClinGen allele CA2226455.

ClinVar aggregate classification (germline): Benign (0 of 4 stars; one submission).

Conditions:
CNTN6-related disorder. Also called: CNTN6-related condition.

Allele frequency attached by ClinVar (database versions not stated): 1000 Genomes Project 30x 0.07199; 1000 Genomes Project 0.07288; ExAC 0.07819; gnomAD exomes 0.08237; gnomAD 0.08498; TOPMed 0.08575; ESP Exome Variant Server 0.09057.
gnomAD v4.1: 131,494 of 1,592,316 alleles (8.3%); highest among the groups gnomAD compares: African/African-American, 9.6%; 5,924 homozygotes.

Submission:

PreventionGenetics, part of Exact Sciences
Classification: Benign for CNTN6-related condition. Last evaluated: 2019-05-08. Review status: no assertion criteria provided. Collection method: clinical testing. Allele origin: germline.
Comment: This variant is classified as benign based on ACMG/AMP sequence variant interpretation guidelines (Richards et al. 2015 PMID: 25741868, with internal and published modifications).